The following is an entry in ClinVar:

NM_001032386.2(SUOX):c.1612C>G (p.Arg538Gly)

Gene: SUOX (sulfite oxidase; plus strand). Cytogenetic location: 12q13.2.
Variant type: single nucleotide variant.
Coding change: c.1612C>G on transcript NM_001032386.2 (MANE Select); coding-DNA position 1612, C replaced by G.
Protein change: p.Arg538Gly; replaces arginine 538 with glycine.
Molecular consequence: missense variant.
Genome position (GRCh38, 1-based): chr12:56,005,001, C>G. VCF-style: chr12-56005001-C-G. GRCh37 (hg19) VCF-style: chr12-56398785-C-G.
Other names: c.1612C>G, p.Arg538Gly (NM_001032387.2, NM_000456.3); short protein forms R538G.
Identifiers: ClinVar variation 1038341 (VCV001038341.7), dbSNP rs758495258, ClinGen allele CA385298995.

ClinVar aggregate classification (germline): Uncertain significance (1 of 4 stars; one submission).

Conditions:
Sulfite oxidase deficiency. Also called: Isolated sulfite oxidase deficiency. Identifiers: Orphanet 833, Orphanet 99731, MedGen C0268624, MONDO:0010089, OMIM 272300, HP:0003643.

gnomAD v4.1: 2 of 1,613,288 alleles (0.00012%); highest among the groups gnomAD compares: Admixed American, 0.0033%; no homozygotes.

Submission:

Labcorp Genetics (formerly Invitae), Labcorp
Classification: Uncertain significance for Sulfite oxidase deficiency. Last evaluated: 2021-08-24. Review status: criteria provided, single submitter. Criteria: Invitae Variant Classification Sherloc (09022015). Collection method: clinical testing. Allele origin: germline.
Comment: This sequence change replaces arginine with glycine at codon 538 of the SUOX protein (p.Arg538Gly). The arginine residue is moderately conserved and there is a moderate physicochemical difference between arginine and glycine. This variant is not present in population databases (ExAC no frequency). This variant has not been reported in the literature in individuals affected with SUOX-related conditions. Algorithms developed to predict the effect of missense changes on protein structure and function are either unavailable or do not agree on the potential impact of this missense change (SIFT: "Deleterious"; PolyPhen-2: "Possibly Damaging"; Align-GVGD: "Class C0"). In summary, the available evidence is currently insufficient to determine the role of this variant in disease. Therefore, it has been classified as a Variant of Uncertain Significance.